The following is an entry in ClinVar:

NM_024876.4(COQ8B):c.1315G>A (p.Val439Met)

Gene: COQ8B (coenzyme Q8B; minus strand). Cytogenetic location: 19q13.2.
Variant type: single nucleotide variant.
Coding change: c.1315G>A on transcript NM_024876.4 (MANE Select); coding-DNA position 1315, G replaced by A.
Protein change: p.Val439Met; replaces valine 439 with methionine.
Molecular consequence: missense variant.
Genome position (GRCh38, 1-based): chr19:40,692,355, C>T on the plus strand (G>A on the coding strand, the complement: COQ8B is on the minus strand). VCF-style: chr19-40692355-C-T. GRCh37 (hg19) VCF-style: chr19-41198260-C-T.
Other names: c.1192G>A, p.Val398Met (NM_001142555.3); short protein forms V439M, V398M.
Identifiers: ClinVar variation 2179783 (VCV002179783.4), dbSNP rs754012618, ClinGen allele CA9450036.

ClinVar aggregate classification (germline): Uncertain significance (1 of 4 stars; one submission).

Allele frequency attached by ClinVar (database versions not stated): gnomAD 0.00001; gnomAD exomes 0.00002; TOPMed 0.00002; ExAC 0.00007.
gnomAD v4.1: 34 of 1,613,286 alleles (0.0021%); highest among the groups gnomAD compares: South Asian, 0.02%; 1 homozygote.

Submission:

Labcorp Genetics (formerly Invitae), Labcorp
Classification: Uncertain significance. Last evaluated: 2022-08-09. Review status: criteria provided, single submitter. Criteria: Invitae Variant Classification Sherloc (09022015). Collection method: clinical testing. Allele origin: germline.
Comment: This variant has not been reported in the literature in individuals affected with COQ8B-related conditions. This variant is present in population databases (rs754012618, gnomAD 0.03%). This sequence change replaces valine, which is neutral and non-polar, with methionine, which is neutral and non-polar, at codon 439 of the COQ8B protein (p.Val439Met). Advanced modeling of protein sequence and biophysical properties (such as structural, functional, and spatial information, amino acid conservation, physicochemical variation, residue mobility, and thermodynamic stability) performed at Invitae indicates that this missense variant is not expected to disrupt COQ8B protein function. In summary, the available evidence is currently insufficient to determine the role of this variant in disease. Therefore, it has been classified as a Variant of Uncertain Significance.